The following is an entry in ClinVar:

ClinVar aggregate classification (germline): Benign/Likely benign. Review status: criteria provided, multiple submitters, no conflicts (2 of 4 stars). 6 submissions from 6 submitters: Benign (5); Likely benign (1). Last evaluated 2026-02-03.

Conditions:
Brain small vessel disease 2A, autosomal dominant. Also called: Porencephaly 2. Identifiers: Orphanet 2940, Orphanet 99810, MedGen C3280970, MONDO:0013773, OMIM 614483.

Allele frequency attached by ClinVar (database versions not stated): ESP Exome Variant Server 0.05319; TOPMed 0.06392; gnomAD exomes 0.06730 and 0.09104; gnomAD 0.07052 and 0.07674; ExAC 0.09155; 1000 Genomes Project 30x 0.12274; 1000 Genomes Project 0.12839.
gnomAD v4.1: 110,634 of 1,613,924 alleles (6.9%); highest among the groups gnomAD compares: South Asian, 19%; 5,526 homozygotes.

Submissions (6):

Labcorp Genetics (formerly Invitae), Labcorp
Classification: Benign. Last evaluated: 2026-02-03. Review status: criteria provided, single submitter. Criteria: Invitae Variant Classification Sherloc (09022015). Collection method: clinical testing. Allele origin: germline.

Blueprint Genetics
Classification: Likely benign. Last evaluated: 2024-11-27. Review status: criteria provided, single submitter. Criteria: ACMG Guidelines, 2015. Collection method: clinical testing. Allele origin: germline.

Mayo Clinic Laboratories, Mayo Clinic
Classification: Benign. Last evaluated: 2022-04-26. Review status: criteria provided, single submitter. Criteria: ACMG Guidelines, 2015. Collection method: clinical testing. Allele origin: germline. Observed: 41 variant alleles.

GeneDx
Classification: Benign. Last evaluated: 2018-06-02. Review status: criteria provided, single submitter. Criteria: GeneDx Variant Classification (06012015). Collection method: clinical testing. Allele origin: germline. Affected: yes.
Comment: This variant is considered likely benign or benign based on one or more of the following criteria: it is a conservative change, it occurs at a poorly conserved position in the protein, it is predicted to be benign by multiple in silico algorithms, and/or has population frequency not consistent with disease.

Illumina Laboratory Services, Illumina
Classification: Benign for Brain small vessel disease 2A, autosomal dominant. Last evaluated: 2018-01-12. Review status: criteria provided, single submitter. Criteria: ICSL Variant Classification Criteria 13 December 2019. Collection method: clinical testing. Allele origin: germline.
Comment: This variant was observed in the ICSL laboratory as part of a predisposition screen in an ostensibly healthy population. It had not been previously curated by ICSL or reported in the Human Gene Mutation Database (HGMD: prior to June 1st, 2018), and was therefore a candidate for classification through an automated scoring system. Utilizing variant allele frequency, disease prevalence and penetrance estimates, and inheritance mode, an automated score was calculated to assess if this variant is too frequent to cause the disease. Based on the score and internal cut-off values, a variant classified as benign is not then subjected to further curation. The score for this variant resulted in a classification of benign for this disease.

Breakthrough Genomics
Classification: Benign. Review status: criteria provided, single submitter. Criteria: ACMG Guidelines, 2015. Collection method: not provided. Allele origin: germline. Inheritance: Autosomal dominant inheritance. Affected: yes.

NM_001846.4(COL4A2):c.3634+4C>T

Gene: COL4A2 (collagen type IV alpha 2 chain; plus strand). Cytogenetic location: 13q34.
Variant type: single nucleotide variant.
Coding change: c.3634+4C>T on transcript NM_001846.4 (MANE Select); 4 bases into the intron after coding-DNA position 3634, C replaced by T.
Molecular consequence: intron variant.
Genome position (GRCh38, 1-based): chr13:110,493,286, C>T. VCF-style: chr13-110493286-C-T. GRCh37 (hg19) VCF-style: chr13-111145633-C-T.
Other names: p.?.
Identifiers: ClinVar variation 311164 (VCV000311164.16), dbSNP rs2274544, ClinGen allele CA7050265.